The following is an entry in ClinVar:

ClinVar aggregate classification (germline): Likely benign. Review status: reviewed by expert panel (3 of 4 stars). 10 submissions from 9 submitters: Likely benign (1). 9 of the submissions do not count toward it. Last evaluated 2017-06-29.

Conditions:
Diffuse pediatric-type high-grade glioma, H3-wildtype and IDH-wildtype. Identifiers: MedGen C5669918, MONDO:0858939.
Hereditary cancer-predisposing syndrome. Also called: Tumor predisposition; Neoplastic Syndromes, Hereditary; Hereditary neoplastic syndrome; Hereditary Cancer Syndrome. Identifiers: Orphanet 140162, MedGen C0027672, MeSH D009386, MONDO:0015356.
Hereditary breast ovarian cancer syndrome. Also called: Hereditary breast and ovarian cancer syndrome; Hereditary breast and ovarian cancer syndrome (HBOC); Hereditary breast and ovarian cancer; Breast and ovarian cancer; BRCA1- and BRCA2-Associated Hereditary Breast and Ovarian Cancer; Hereditary breast and/or ovarian cancer syndrome. Identifiers: Orphanet 145, MedGen C0677776, MeSH D061325, MONDO:0003582. Disease mechanism: loss of function.
Breast-ovarian cancer, familial, susceptibility to, 2 (BROVCA2). Also called: BRCA2 Hereditary Breast and Ovarian Cancer. Identifiers: Orphanet 145, MedGen C2675520, MONDO:0012933, OMIM 612555. Disease mechanism: loss of function.
Familial cancer of breast. Also called: BREAST CANCER, FAMILIAL; hereditary breast carcinoma; Hereditary breast cancer. Identifiers: Orphanet 227535, MedGen C0346153, MONDO:0016419, OMIM 114480. Disease mechanism: loss of function.

Allele frequency attached by ClinVar (database versions not stated): gnomAD exomes below 0.00001.
gnomAD v4.1: 9 of 1,614,218 alleles (0.00056%); highest among the groups gnomAD compares: Middle Eastern, 0.049%; no homozygotes.

Submissions (10):

Evidence-based Network for the Interpretation of Germline Mutant Alleles (ENIGMA)
Classification: Likely benign for Breast-ovarian cancer, familial, susceptibility to, 2. Last evaluated: 2017-06-29. Review status: reviewed by expert panel. Criteria: ENIGMA BRCA1/2 Classification Criteria (2017-06-29). Collection method: curation. Allele origin: germline.
Comment: Synonymous substitution variant, with low bioinformatic likelihood to result in a splicing aberration (Splicing prior probability 0.02).

Labcorp Genetics (formerly Invitae), Labcorp
Classification: Likely benign for Hereditary breast ovarian cancer syndrome. Last evaluated: 2025-12-10. Review status: criteria provided, single submitter. Criteria: Invitae Variant Classification Sherloc (09022015). Collection method: clinical testing. Allele origin: germline. Not counted in ClinVar's aggregate classification.

KCCC/NGS Laboratory, Kuwait Cancer Control Center
Classification: Benign for Familial cancer of breast. Last evaluated: 2025-02-01. Review status: criteria provided, single submitter. Criteria: ACMG Guidelines, 2015. Collection method: clinical testing. Allele origin: germline. Affected: no. Not counted in ClinVar's aggregate classification.

KCCC/NGS Laboratory, Kuwait Cancer Control Center
Classification: Likely benign for Breast-ovarian cancer, familial, susceptibility to, 2. Last evaluated: 2023-07-07. Review status: criteria provided, single submitter. Criteria: ACMG Guidelines, 2015. Collection method: clinical testing. Allele origin: germline. Affected: yes. Not counted in ClinVar's aggregate classification.

Blueprint Genetics
Classification: Likely benign. Last evaluated: 2023-04-19. Review status: criteria provided, single submitter. Criteria: ACMG Guidelines, 2015. Collection method: clinical testing. Allele origin: germline. Not counted in ClinVar's aggregate classification.

GeneDx
Classification: Likely benign. Last evaluated: 2020-11-18. Review status: criteria provided, single submitter. Criteria: GeneDx Variant Classification Process June 2021. Collection method: clinical testing. Allele origin: germline. Affected: yes. Not counted in ClinVar's aggregate classification.

Quest Diagnostics Nichols Institute San Juan Capistrano
Classification: Likely benign. Last evaluated: 2019-12-05. Review status: criteria provided, single submitter. Criteria: Quest Diagnostics criteria. Collection method: clinical testing. Allele origin: unknown. Not counted in ClinVar's aggregate classification.

Ambry Genetics
Classification: Likely benign for Hereditary cancer-predisposing syndrome. Last evaluated: 2018-08-31. Review status: criteria provided, single submitter. Criteria: Ambry Variant Classification Scheme 2023. Collection method: clinical testing. Allele origin: germline. Not counted in ClinVar's aggregate classification.

Laboratory of Medical Genetics Unit, Bambino Gesù Children's Hospital
Classification: Uncertain significance for Diffuse pediatric-type high-grade glioma, H3-wildtype and IDH-wildtype. Last evaluated: 2017-12-28. Review status: criteria provided, single submitter. Criteria: ACMG Guidelines, 2015. Collection method: research. Allele origin: germline. Affected: yes. Observed: 1 heterozygote. Not counted in ClinVar's aggregate classification.

Department of Pathology and Laboratory Medicine, Sinai Health System
Classification: Uncertain significance for Breast-ovarian cancer, familial, susceptibility to, 2. Review status: no assertion criteria provided. Collection method: clinical testing. Allele origin: unknown. Affected: yes. Observed: 1 variant allele. Study: The Canadian Open Genetics Repository (COGR). Not counted in ClinVar's aggregate classification.
Comment: The BRCA2 p.Ile2521= variant was not identified in the literature nor was it identified in the Cosmic, LOVD 3.0, UMD-LSDB, BIC Database, ARUP Laboratories, or Zhejiang University databases. The variant was also identified in dbSNP (ID: rs786204282) as "With other allele", ClinVar (classified as likely benign by Invitae, GeneDx, and ENIGMA; and as uncertain significance by COGR), and in GeneInsight-COGR database. The variant was identified in control databases in 1 of 245904 chromosomes at a frequency of 0.000004 (Genome Aggregation Database Feb 27, 2017). The variant was observed in the East Asian population in 1 of 17240 chromosomes (freq: 0.00006), while the variant was not observed in the African, Other, Latino, European, Ashkenazi Jewish, Finnish, or South Asian populations. The p.Ile2521= variant is not expected to have clinical significance because it does not result in a change of amino acid and is not located in a known consensus splice site. The variant occurs outside of the splicing consensus sequence and 1 of 5 in silico or computational prediction software programs (SpliceSiteFinder, MaxEntScan, NNSPLICE, GeneSplicer, HumanSpliceFinder) predict a greater than 10% difference in splicing; this is not very predictive of pathogenicity. In summary, based on the above information the clinical significance of this variant cannot be determined with certainty at this time. This variant is classified as uncertain significance.

NM_000059.4(BRCA2):c.7563C>A (p.Ile2521=)

Gene: BRCA2 (BRCA2 DNA repair associated; plus strand). Cytogenetic location: 13q13.1.
Variant type: single nucleotide variant.
Coding change: c.7563C>A on transcript NM_000059.4 (MANE Select); coding-DNA position 7563, C replaced by A.
Protein change: p.Ile2521=; no amino-acid change (isoleucine 2521 retained).
Molecular consequence: synonymous variant.
Genome position (GRCh38, 1-based): chr13:32,356,555, C>A. VCF-style: chr13-32356555-C-A. GRCh37 (hg19) VCF-style: chr13-32930692-C-A.
Identifiers: ClinVar variation 188438 (VCV000188438.27), dbSNP rs786204282, ClinGen allele CA025153.